The following is an entry in ClinVar:

ClinVar aggregate classification (germline): Uncertain significance. Review status: criteria provided, multiple submitters, no conflicts (2 of 4 stars). 3 submissions from 3 submitters: Uncertain significance (3). Last evaluated 2025-08-11.

Conditions:
Pitt-Hopkins-like syndrome 2 (PTHSL2). Identifiers: Orphanet 221150, Orphanet 600663, MedGen C3280479, MONDO:0013690, OMIM 614325.
Inborn genetic diseases. Identifiers: MedGen C0950123, MeSH D030342.

gnomAD v4.1: 5 of 1,613,116 alleles (0.00031%); highest among the groups gnomAD compares: Non-Finnish European, 0.00042%; no homozygotes.

Submissions (3):

Labcorp Genetics (formerly Invitae), Labcorp
Classification: Uncertain significance for Pitt-Hopkins-like syndrome 2. Last evaluated: 2025-08-11. Review status: criteria provided, single submitter. Criteria: Invitae Variant Classification Sherloc (09022015). Collection method: clinical testing. Allele origin: germline.
Comment: This sequence change replaces arginine, which is basic and polar, with leucine, which is neutral and non-polar, at codon 857 of the NRXN1 protein (p.Arg857Leu). This variant is not present in population databases (gnomAD no frequency). This variant has not been reported in the literature in individuals affected with NRXN1-related conditions. ClinVar contains an entry for this variant (Variation ID: 589328). An algorithm developed to predict the effect of missense changes on protein structure and function (PolyPhen-2) suggests that this variant is likely to be disruptive. In summary, the available evidence is currently insufficient to determine the role of this variant in disease. Therefore, it has been classified as a Variant of Uncertain Significance.

GeneDx
Classification: Uncertain significance. Last evaluated: 2025-06-13. Review status: criteria provided, single submitter. Criteria: GeneDx Variant Classification Process June 2021. Collection method: clinical testing. Allele origin: germline. Affected: yes.
Comment: Not observed at significant frequency in large population cohorts (gnomAD); In silico analysis supports that this missense variant has a deleterious effect on protein structure/function; Missense variant in a gene in which most reported pathogenic variants are truncating/loss of function; Has not been previously published as pathogenic or benign to our knowledge

Ambry Genetics
Classification: Uncertain significance for Inborn genetic diseases. Last evaluated: 2016-07-21. Review status: criteria provided, single submitter. Criteria: Ambry Variant Classification Scheme 2023. Collection method: clinical testing. Allele origin: germline.
Comment: The p.R857L variant (also known as c.2570G>T), located in coding exon 13 of the NRXN1 gene, results from a G to T substitution at nucleotide position 2570. The arginine at codon 857 is replaced by leucine, an amino acid with dissimilar properties. This variant was not reported in population based cohorts in the following databases: Database of Single Nucleotide Polymorphisms (dbSNP), NHLBI Exome Sequencing Project (ESP), and 1000 Genomes Project. In the ESP, this variant was not observed in 6078 samples (12156 alleles) with coverage at this position. This amino acid position is highly conserved in available vertebrate species. In addition, this alteration is predicted to be deleterious by in silico analysis. Based on available evidence to date, the clinical significance of this variant remains unclear.

NM_001330078.2(NRXN1):c.2450G>T (p.Arg817Leu)

Gene: NRXN1 (neurexin 1; minus strand). Cytogenetic location: 2p16.3.
Variant type: single nucleotide variant.
Coding change: c.2450G>T on transcript NM_001330078.2 (MANE Select); coding-DNA position 2450, G replaced by T.
Protein change: p.Arg817Leu; replaces arginine 817 with leucine.
Molecular consequence: missense variant.
Genome position (GRCh38, 1-based): chr2:50,506,542, C>A on the plus strand (G>T on the coding strand, the complement: NRXN1 is on the minus strand). VCF-style: chr2-50506542-C-A. GRCh37 (hg19) VCF-style: chr2-50733680-C-A.
Other names: c.2570G>T, p.Arg857Leu (NM_001135659.3); c.2426G>T, p.Arg809Leu (NM_001330077.2, NM_001330082.2); c.2384G>T, p.Arg795Leu (NM_001330083.2, NM_001330084.2); c.2423G>T, p.Arg808Leu (NM_001330085.2); c.2450G>T, p.Arg817Leu (NM_001330086.2, NM_004801.6); c.2339G>T, p.Arg780Leu (NM_001330087.2, NM_001330096.2); c.2369G>T, p.Arg790Leu (NM_001330088.2); c.2447G>T, p.Arg816Leu (NM_001330093.2); and 2 more; short protein forms R857L, R800L, R816L, R780L, R817L, R790L, R809L, R813L.
Identifiers: ClinVar variation 589328 (VCV000589328.9), dbSNP rs201873057, ClinGen allele CA346777924.